The following is an entry in ClinVar:

ClinVar aggregate classification (germline): Conflicting classifications of pathogenicity. Review status: criteria provided, conflicting classifications (1 of 4 stars). 5 submissions from 5 submitters: Uncertain significance (1); Benign (1); Likely benign (3). Last evaluated 2025-12-15.

Conditions:
Paragangliomas with sensorineural hearing loss. Identifiers: MedGen C1868633.
Pheochromocytoma. Also called: MAX-Related Hereditary Paraganglioma-Pheochromocytoma Syndrome. Identifiers: Orphanet 29072, MedGen C0031511, MONDO:0008233, OMIM 171300, HP:0002666.
Cowden syndrome 3 (CWS3). Identifiers: Orphanet 201, MedGen CN166604, MONDO:0014045.
Carney-Stratakis syndrome. Also called: PARAGANGLIOMA AND GASTROINTESTINAL STROMAL TUMOR. Identifiers: Orphanet 97286, MedGen C1847319, MONDO:0011740, OMIM 606864.
Hereditary cancer-predisposing syndrome. Also called: Neoplastic Syndromes, Hereditary; Hereditary neoplastic syndrome; Tumor predisposition; Hereditary Cancer Syndrome. Identifiers: Orphanet 140162, MedGen C0027672, MeSH D009386, MONDO:0015356.
Hereditary pheochromocytoma and paraganglioma. Also called: Hereditary Paraganglioma-Pheochromocytoma Syndromes; Hereditary paragangliomas and pheochromocytomas; Hereditary pheochromocytoma-paraganglioma. Identifiers: Orphanet 29072, MedGen C4274332, MONDO:0017366.
Pheochromocytoma/paraganglioma syndrome 1. Also called: Paragangliomas 1; Glomus tumors familial 1; Paraganglioma - glomus jugulare; SDHD-Related Hereditary Paraganglioma-Pheochromocytoma Syndrome; PARAGANGLIOMAS, FAMILIAL NONCHROMAFFIN, 1; PGL 1. Identifiers: Orphanet 29072, MedGen C3494181, MONDO:0008192, OMIM 168000.

gnomAD v4.1: 4 of 1,614,122 alleles (0.00025%); highest among the groups gnomAD compares: Admixed American, 0.0033%; no homozygotes.

Submissions (5):

Ambry Genetics
Classification: Uncertain significance for Hereditary cancer-predisposing syndrome. Last evaluated: 2025-12-15. Review status: criteria provided, single submitter. Criteria: Ambry Variant Classification Scheme 2023. Collection method: clinical testing. Allele origin: germline.
Comment: The c.270G>C variant (also known as p.A90A) is located in coding exon 3 of the SDHD gene. This variant results from a G to C substitution at nucleotide position 270. This nucleotide substitution does not change the alanine at codon 90. This nucleotide position is not well conserved in available vertebrate species. In silico splice site analysis for this alteration is inconclusive. RNA studies have demonstrated that this alteration results in an incomplete splice defect; the clinical impact of this abnormal splicing is unknown at this time (Ambry internal data). Based on the available evidence, the clinical significance of this variant remains unclear.

Labcorp Genetics (formerly Invitae), Labcorp
Classification: Likely benign for Carney-Stratakis syndrome; Paragangliomas with sensorineural hearing loss; Pheochromocytoma; Cowden syndrome 3. Last evaluated: 2025-04-17. Review status: criteria provided, single submitter. Criteria: Invitae Variant Classification Sherloc (09022015). Collection method: clinical testing. Allele origin: germline.

Myriad Genetics, Inc.
Classification: Benign for Pheochromocytoma/paraganglioma syndrome 1. Last evaluated: 2025-03-17. Review status: criteria provided, single submitter. Criteria: Myriad Autosomal Dominant, Autosomal Recessive and X-Linked Classification Criteria (2023). Collection method: clinical testing. Allele origin: unknown.
Comment: This variant is considered benign. This variant is a silent/synonymous amino acid change and it is not expected to impact splicing.

All of Us Research Program, National Institutes of Health
Classification: Likely benign for Hereditary pheochromocytoma and paraganglioma. Last evaluated: 2023-10-06. Review status: criteria provided, single submitter. Criteria: ACMG Guidelines, 2015. Collection method: clinical testing. Allele origin: germline. Inheritance: Autosomal dominant inheritance. Observed: 4 variant alleles, 4 heterozygotes.
Comment: This study involves interpretation of variants in research participants for the purpose of population health screening. Participant phenotype was not available at the time of variant classification. Additional details can be found in publication PMID: 35346344, PMCID: PMC8962531

Color Diagnostics, LLC DBA Color Health
Classification: Likely benign for Hereditary pheochromocytoma and paraganglioma. Last evaluated: 2022-11-07. Review status: criteria provided, single submitter. Criteria: ACMG Guidelines, 2015. Collection method: clinical testing. Allele origin: germline.

NM_003002.4(SDHD):c.270G>C (p.Ala90=)

Gene: SDHD (succinate dehydrogenase complex subunit D; plus strand). Cytogenetic location: 11q23.1.
Variant type: single nucleotide variant.
Coding change: c.270G>C on transcript NM_003002.4 (MANE Select); coding-DNA position 270, G replaced by C.
Protein change: p.Ala90=; no amino-acid change (alanine 90 retained).
Molecular consequence: synonymous variant. On other transcripts: non-coding transcript variant (1), intron variant (1).
Genome position (GRCh38, 1-based): chr11:112,088,967, G>C. VCF-style: chr11-112088967-G-C. GRCh37 (hg19) VCF-style: chr11-111959691-G-C.
Other names: c.153G>C, p.Ala51= (NM_001276504.2); c.270G>C, p.Ala90= (NM_001276506.2); c.169+994G>C (NM_001276503.2).
Identifiers: ClinVar variation 417307 (VCV000417307.19), dbSNP rs766656463, ClinGen allele CA070986.
Genomic context (GRCh38, chr11:112,088,967, plus strand): 5'-GGTTGTCAGTGTTTTGCTCCTGGGTCTGCTTCCGGCTGCTTATTTGAATCCTTGCTCTGC[G>C]ATGGACTATTCCCTGGCTGCAGCCCTCACTCTTCATGGTCACTGGCAAGTATAGCAATTC-3'
Protein context (NP_002993.1, residues 80-100): LPAAYLNPCS[Ala90=]MDYSLAAALT